The following is an entry in ClinVar:

NM_001161352.2(KCNMA1):c.2408A>T (p.Asp803Val)

Genes: KCNMA1-AS1 (KCNMA1 antisense RNA 1; plus strand), KCNMA1 (potassium calcium-activated channel subfamily M alpha 1; minus strand). Cytogenetic location: 10q22.3.
Variant type: single nucleotide variant.
Coding change: c.2408A>T on transcript NM_001161352.2 (MANE Select); coding-DNA position 2408, A replaced by T.
Protein change: p.Asp803Val; replaces aspartic acid 803 with valine.
Molecular consequence: missense variant.
Genome position (GRCh38, 1-based): chr10:76,953,877, T>A on the plus strand (A>T on the coding strand, the complement: KCNMA1 is on the minus strand). VCF-style: chr10-76953877-T-A. GRCh37 (hg19) VCF-style: chr10-78713635-T-A.
Other names: c.2246A>T, p.Asp749Val (NM_001014797.3, NM_001322835.2, NM_001322837.2); c.2234A>T, p.Asp745Val (NM_001161353.2, NM_001322832.2, NM_002247.4); c.2084A>T, p.Asp695Val (NM_001271518.2); c.2243A>T, p.Asp748Val (NM_001271519.2, NM_001322829.2, NM_001322836.2); c.2255A>T, p.Asp752Val (NM_001322830.2); c.1781A>T, p.Asp594Val (NM_001322838.2); short protein forms D695V, D749V, D752V, D594V, D745V, D748V, D803V.
Identifiers: ClinVar variation 930825 (VCV000930825.3), dbSNP rs2067187945, ClinGen allele CA377407702.

ClinVar aggregate classification (germline): Uncertain significance (1 of 4 stars; one submission).

Conditions:
Generalized epilepsy-paroxysmal dyskinesia syndrome (PNKD3). Also called: Paroxysmal nonkinesigenic dyskinesia, 3, with or without generalized epilepsy; Generalized epilepsy and paroxysmal dyskinesia. Identifiers: Orphanet 79137, MedGen C5574945, MONDO:0012276, OMIM 609446.

Submission:

Centre for Mendelian Genomics, University Medical Centre Ljubljana
Classification: Uncertain significance for Generalized epilepsy-paroxysmal dyskinesia syndrome. Last evaluated: 2018-10-24. Review status: criteria provided, single submitter. Criteria: ACMG Guidelines, 2015. Collection method: clinical testing. Allele origin: unknown. Affected: yes.
Comment: This variant was classified as: Uncertain significance. The available evidence on this variant's pathogenicity is insufficient or conflicting. The following ACMG criteria were applied in classifying this variant: PM2,PP3.